The following is an entry in ClinVar:

NM_004239.4(TRIP11):c.1159G>A (p.Val387Met)

Gene: TRIP11 (thyroid hormone receptor interactor 11; minus strand). Cytogenetic location: 14q32.12.
Variant type: single nucleotide variant.
Coding change: c.1159G>A on transcript NM_004239.4 (MANE Select); coding-DNA position 1159, G replaced by A.
Protein change: p.Val387Met; replaces valine 387 with methionine.
Molecular consequence: missense variant.
Genome position (GRCh38, 1-based): chr14:92,014,242, C>T on the plus strand (G>A on the coding strand, the complement: TRIP11 is on the minus strand). VCF-style: chr14-92014242-C-T. GRCh37 (hg19) VCF-style: chr14-92480586-C-T.
Other names: c.1156G>A, p.Val386Met (NM_001321851.1); c.1159G>A (NM_004239.3); short protein forms V387M, V386M.
Identifiers: ClinVar variation 528891 (VCV000528891.10), dbSNP rs376669587, ClinGen allele CA7314023.

ClinVar aggregate classification (germline): Uncertain significance. Review status: criteria provided, multiple submitters, no conflicts (2 of 4 stars). 3 submissions from 3 submitters: Uncertain significance (3). Last evaluated 2025-04-02.

Conditions:
Inborn genetic diseases. Identifiers: MedGen C0950123, MeSH D030342.
Achondrogenesis, type IA (ACG1A). Identifiers: Orphanet 932, Orphanet 93299, MedGen C0265273, MONDO:0008701, OMIM 200600.

Allele frequency attached by ClinVar (database versions not stated): gnomAD exomes below 0.00001 and 0.00001; ExAC 0.00001.

Submissions (3):

Labcorp Genetics (formerly Invitae), Labcorp
Classification: Uncertain significance for Achondrogenesis, type IA. Last evaluated: 2025-04-02. Review status: criteria provided, single submitter. Criteria: Invitae Variant Classification Sherloc (09022015). Collection method: clinical testing. Allele origin: germline.
Comment: This sequence change replaces valine, which is neutral and non-polar, with methionine, which is neutral and non-polar, at codon 387 of the TRIP11 protein (p.Val387Met). This variant is present in population databases (rs376669587, gnomAD 0.003%). This variant has not been reported in the literature in individuals affected with TRIP11-related conditions. ClinVar contains an entry for this variant (Variation ID: 528891). Invitae Evidence Modeling of protein sequence and biophysical properties (such as structural, functional, and spatial information, amino acid conservation, physicochemical variation, residue mobility, and thermodynamic stability) indicates that this missense variant is not expected to disrupt TRIP11 protein function with a negative predictive value of 80%. In summary, the available evidence is currently insufficient to determine the role of this variant in disease. Therefore, it has been classified as a Variant of Uncertain Significance.

Ambry Genetics
Classification: Uncertain significance for Inborn genetic diseases. Last evaluated: 2024-08-29. Review status: criteria provided, single submitter. Criteria: Ambry Variant Classification Scheme 2023. Collection method: clinical testing. Allele origin: germline.

GeneDx
Classification: Uncertain significance. Last evaluated: 2023-01-27. Review status: criteria provided, single submitter. Criteria: GeneDx Variant Classification Process June 2021. Collection method: clinical testing. Allele origin: germline. Affected: yes.
Comment: Not observed at significant frequency in large population cohorts (gnomAD); In silico analysis supports that this missense variant does not alter protein structure/function; Has not been previously published as pathogenic or benign to our knowledge